The following is an entry in ClinVar:

ClinVar aggregate classification (germline): Uncertain significance (1 of 4 stars; one submission).

Submission:

Labcorp Genetics (formerly Invitae), Labcorp
Classification: Uncertain significance. Last evaluated: 2022-12-24. Review status: criteria provided, single submitter. Criteria: Invitae Variant Classification Sherloc (09022015). Collection method: clinical testing. Allele origin: germline.
Comment: This sequence change replaces asparagine, which is neutral and polar, with lysine, which is basic and polar, at codon 1759 of the ITPR1 protein (p.Asn1759Lys). This variant is not present in population databases (gnomAD no frequency). This variant has not been reported in the literature in individuals affected with ITPR1-related conditions. Advanced modeling of protein sequence and biophysical properties (such as structural, functional, and spatial information, amino acid conservation, physicochemical variation, residue mobility, and thermodynamic stability) performed at Invitae indicates that this missense variant is not expected to disrupt ITPR1 protein function. In summary, the available evidence is currently insufficient to determine the role of this variant in disease. Therefore, it has been classified as a Variant of Uncertain Significance.

NM_001378452.1(ITPR1):c.5466C>A (p.Asn1822Lys)

Gene: ITPR1 (inositol 1,4,5-trisphosphate receptor type 1; plus strand). Cytogenetic location: 3p26.1.
Variant type: single nucleotide variant.
Coding change: c.5466C>A on transcript NM_001378452.1 (MANE Select); coding-DNA position 5466, C replaced by A.
Protein change: p.Asn1822Lys; replaces asparagine 1822 with lysine.
Molecular consequence: missense variant.
Genome position (GRCh38, 1-based): chr3:4,735,276, C>A. VCF-style: chr3-4735276-C-A. GRCh37 (hg19) VCF-style: chr3-4776960-C-A.
Other names: c.5322C>A, p.Asn1774Lys (NM_001099952.4); c.5421C>A, p.Asn1807Lys (NM_001168272.2); c.5277C>A, p.Asn1759Lys (NM_002222.7); short protein forms N1759K, N1774K, N1807K, N1822K.
Identifiers: ClinVar variation 2428025 (VCV002428025.6), dbSNP rs113368815, ClinGen allele CA351639246.